The following is an entry in ClinVar:

ClinVar aggregate classification (germline): Likely pathogenic. Review status: criteria provided, multiple submitters, no conflicts (2 of 4 stars). 4 submissions from 4 submitters: Likely pathogenic (3). 1 of the submissions does not count toward it. Last evaluated 2025-09-24.

Conditions:
Cohen syndrome (COH1). Also called: PEPPER SYNDROME; Cutis verticis gyrata, retinitis pigmentosa, and sensorineural deafness. Identifiers: Orphanet 193, MedGen C0265223, MONDO:0008999, OMIM 216550.

Allele frequency attached by ClinVar (database versions not stated): gnomAD exomes below 0.00001.
gnomAD v4.1: 1 of 1,614,042 alleles (0.000062%); highest among the groups gnomAD compares: Non-Finnish European, 0.000085%; no homozygotes.

Submissions (4):

Labcorp Genetics (formerly Invitae), Labcorp
Classification: Likely pathogenic for Cohen syndrome. Last evaluated: 2025-09-24. Review status: criteria provided, single submitter. Criteria: Invitae Variant Classification Sherloc (09022015). Collection method: clinical testing. Allele origin: germline.
Comment: This sequence change affects a donor splice site in intron 54 of the VPS13B gene. It is expected to disrupt RNA splicing. Variants that disrupt the donor or acceptor splice site typically lead to a loss of protein function (PMID: 16199547), and loss-of-function variants in VPS13B are known to be pathogenic (PMID: 15141358, 16648375, 20461111). This variant is not present in population databases (gnomAD no frequency). This variant has not been reported in the literature in individuals affected with VPS13B-related conditions. ClinVar contains an entry for this variant (Variation ID: 371174). Algorithms developed to predict the effect of sequence changes on RNA splicing suggest that this variant may disrupt the consensus splice site. In summary, the currently available evidence indicates that the variant is pathogenic, but additional data are needed to prove that conclusively. Therefore, this variant has been classified as Likely Pathogenic.

Myriad Genetics, Inc.
Classification: Likely pathogenic for Cohen syndrome. Last evaluated: 2025-08-12. Review status: criteria provided, single submitter. Criteria: Myriad Autosomal Dominant, Autosomal Recessive and X-Linked Classification Criteria (2023). Collection method: clinical testing. Allele origin: unknown.
Comment: NM_017890.4(VPS13B):c.10017+1G>A is a variant in a canonical splice site classified as likely pathogenic in the context of Cohen syndrome. c.10017+1G>A has not been observed in cases with relevant disease. Relevant functional assessments of this variant are not available in the literature. c.10017+1G>A has not been observed in referenced population frequency databases. In summary, NM_017890.4(VPS13B):c.10017+1G>A is a variant in a canonical splice site in a gene where loss of function is a known mechanism of disease and is predicted to disrupt protein function. Please note: this variant was assessed in the context of healthy population screening.

Fulgent Genetics
Classification: Likely pathogenic for Cohen syndrome. Last evaluated: 2024-06-20. Review status: criteria provided, single submitter. Criteria: ACMG Guidelines, 2015. Collection method: clinical testing. Allele origin: germline.

Counsyl
Classification: Likely pathogenic for Cohen syndrome. Last evaluated: 2016-07-19. Review status: no assertion criteria provided. Collection method: clinical testing. Allele origin: unknown. Not counted in ClinVar's aggregate classification.

Literature cited by the submitters: PubMed 16199547 (cited by Labcorp Genetics (formerly Invitae), Labcorp); PubMed 15141358 (cited by Labcorp Genetics (formerly Invitae), Labcorp); PubMed 16648375 (cited by Labcorp Genetics (formerly Invitae), Labcorp); PubMed 20461111 (cited by Labcorp Genetics (formerly Invitae), Labcorp).

NM_152564.5(VPS13B):c.9942+1G>A

Gene: VPS13B (vacuolar protein sorting 13 homolog B; plus strand). Cytogenetic location: 8q22.2.
Variant type: single nucleotide variant.
Coding change: c.9942+1G>A on transcript NM_152564.5 (MANE Select); the canonical splice donor site of the intron after coding-DNA position 9942, G replaced by A.
Molecular consequence: splice donor variant.
Genome position (GRCh38, 1-based): chr8:99,835,739, G>A. VCF-style: chr8-99835739-G-A. GRCh37 (hg19) VCF-style: chr8-100847967-G-A.
Other names: c.10017+1G>A (NM_017890.5).
Identifiers: ClinVar variation 371174 (VCV000371174.13), dbSNP rs1057517063, ClinGen allele CA16041268.